The following is an entry in ClinVar:

NM_000051.4(ATM):c.5145G>C (p.Leu1715=)

Gene: ATM (ATM serine/threonine kinase; plus strand). Cytogenetic location: 11q22.3.
Variant type: single nucleotide variant.
Coding change: c.5145G>C on transcript NM_000051.4 (MANE Select); coding-DNA position 5145, G replaced by C.
Protein change: p.Leu1715=; no amino-acid change (leucine 1715 retained).
Molecular consequence: synonymous variant.
Genome position (GRCh38, 1-based): chr11:108,299,853, G>C. VCF-style: chr11-108299853-G-C. GRCh37 (hg19) VCF-style: chr11-108170580-G-C.
Other names: c.5145G>C, p.Leu1715= (NM_001351834.2).
Identifiers: ClinVar variation 2843861 (VCV002843861.5), dbSNP rs786202765, ClinGen allele CA476674723.

ClinVar aggregate classification (germline): Benign/Likely benign. Review status: criteria provided, multiple submitters, no conflicts (2 of 4 stars). 3 submissions from 3 submitters: Benign (1); Likely benign (2). Last evaluated 2025-01-14.

Conditions:
Hereditary cancer-predisposing syndrome. Also called: Hereditary Cancer Syndrome; Hereditary neoplastic syndrome; Neoplastic Syndromes, Hereditary; Tumor predisposition. Identifiers: Orphanet 140162, MedGen C0027672, MeSH D009386, MONDO:0015356.
Familial cancer of breast. Also called: BREAST CANCER, FAMILIAL; Hereditary breast cancer; hereditary breast carcinoma. Identifiers: Orphanet 227535, MedGen C0346153, MONDO:0016419, OMIM 114480. Disease mechanism: loss of function.
Ataxia-telangiectasia syndrome (AT). Also called: Cerebello-oculocutaneous telangiectasia; Immunodeficiency with ataxia telangiectasia; Ataxia-telangiectasia, complementation group E; Ataxia-telangiectasia, complementation group D; LOUIS-BAR SYNDROME; AT, COMPLEMENTATION GROUP C. Identifiers: Orphanet 100, MedGen C0004135, MONDO:0008840, OMIM 208900.

Submissions (3):

Ambry Genetics
Classification: Likely benign for Hereditary cancer-predisposing syndrome. Last evaluated: 2025-01-14. Review status: criteria provided, single submitter. Criteria: Ambry Variant Classification Scheme 2023. Collection method: clinical testing. Allele origin: germline.

Myriad Genetics, Inc.
Classification: Benign for Familial cancer of breast. Last evaluated: 2024-05-22. Review status: criteria provided, single submitter. Criteria: Myriad Autosomal Dominant, Autosomal Recessive and X-Linked Classification Criteria (2023). Collection method: clinical testing. Allele origin: unknown.
Comment: This variant is considered benign. This variant is a silent/synonymous amino acid change and it is not expected to impact splicing.

Labcorp Genetics (formerly Invitae), Labcorp
Classification: Likely benign for Ataxia-telangiectasia syndrome. Last evaluated: 2023-03-08. Review status: criteria provided, single submitter. Criteria: Invitae Variant Classification Sherloc (09022015). Collection method: clinical testing. Allele origin: germline.